The following is an entry in ClinVar:

ClinVar aggregate classification (germline): Uncertain significance. Review status: criteria provided, multiple submitters, no conflicts (2 of 4 stars). 4 submissions from 4 submitters: Uncertain significance (4). Last evaluated 2025-03-07.

Conditions:
Inborn genetic diseases. Identifiers: MedGen C0950123, MeSH D030342.
Glycogen storage disease, type VII (GSD7). Also called: PFKM DEFICIENCY; TARUI DISEASE; GSD VII; MUSCLE PHOSPHOFRUCTOKINASE DEFICIENCY. Identifiers: Orphanet 371, MedGen C0017926, MONDO:0009295, OMIM 232800.

Allele frequency attached by ClinVar (database versions not stated): ExAC 0.00002; gnomAD 0.00004; TOPMed 0.00004; gnomAD exomes 0.00006; ESP Exome Variant Server 0.00008.
gnomAD v4.1: 94 of 1,613,972 alleles (0.0058%); highest among the groups gnomAD compares: Non-Finnish European, 0.0077%; no homozygotes.

Submissions (4):

Mayo Clinic Laboratories, Mayo Clinic
Classification: Uncertain significance. Last evaluated: 2025-03-07. Review status: criteria provided, single submitter. Criteria: ACMG Guidelines, 2015. Collection method: clinical testing. Allele origin: germline. Observed: 1 variant allele.
Comment: PP3_moderate, PM2_supporting

GeneDx
Classification: Uncertain significance. Last evaluated: 2023-02-15. Review status: criteria provided, single submitter. Criteria: GeneDx Variant Classification Process June 2021. Collection method: clinical testing. Allele origin: germline. Affected: yes.
Comment: Not observed at a significant frequency in large population cohorts (gnomAD); In silico analysis supports that this missense variant has a deleterious effect on protein structure/function; Has not been previously published as pathogenic or benign to our knowledge

Ambry Genetics
Classification: Uncertain significance for Inborn genetic diseases. Last evaluated: 2022-10-27. Review status: criteria provided, single submitter. Criteria: Ambry Variant Classification Scheme 2023. Collection method: clinical testing. Allele origin: germline.

Labcorp Genetics (formerly Invitae), Labcorp
Classification: Uncertain significance for Glycogen storage disease, type VII. Last evaluated: 2022-08-22. Review status: criteria provided, single submitter. Criteria: Invitae Variant Classification Sherloc (09022015). Collection method: clinical testing. Allele origin: germline.
Comment: This sequence change replaces arginine, which is basic and polar, with tryptophan, which is neutral and slightly polar, at codon 292 of the PFKM protein (p.Arg292Trp). This variant is present in population databases (rs368997884, gnomAD 0.009%). This variant has not been reported in the literature in individuals affected with PFKM-related conditions. Algorithms developed to predict the effect of missense changes on protein structure and function are either unavailable or do not agree on the potential impact of this missense change (SIFT: "Deleterious"; PolyPhen-2: "Probably Damaging"; Align-GVGD: "Class C0"). In summary, the available evidence is currently insufficient to determine the role of this variant in disease. Therefore, it has been classified as a Variant of Uncertain Significance.

NM_000289.6(PFKM):c.874C>T (p.Arg292Trp)

Gene: PFKM (phosphofructokinase, muscle; plus strand). Cytogenetic location: 12q13.11.
Variant type: single nucleotide variant.
Coding change: c.874C>T on transcript NM_000289.6 (MANE Select); coding-DNA position 874, C replaced by T.
Protein change: p.Arg292Trp; replaces arginine 292 with tryptophan.
Molecular consequence: missense variant. On other transcripts: non-coding transcript variant (6), intron variant (1).
Genome position (GRCh38, 1-based): chr12:48,135,321, C>T. VCF-style: chr12-48135321-C-T. GRCh37 (hg19) VCF-style: chr12-48529104-C-T.
Other names: p.Arg292Trp; c.874C>T (NM_000289.5); c.1087C>T, p.Arg363Trp (NM_001166686.2, NM_001354737.1, NM_001354738.1 and 1 more transcripts); c.874C>T, p.Arg292Trp (NM_001166687.2, NM_001166688.2, NM_001354742.2 and 3 more transcripts); c.1183C>T, p.Arg395Trp (NM_001354735.1, NM_001354736.1); c.1018C>T, p.Arg340Trp (NM_001354740.1); c.898C>T, p.Arg300Trp (NM_001354741.2); c.787C>T, p.Arg263Trp (NM_001354745.2); and 2 more; short protein forms R292W, R300W, R363W, R263W, R242W, R340W, R395W.
Identifiers: ClinVar variation 2202584 (VCV002202584.4), dbSNP rs368997884, ClinGen allele CA6537138.